The following is an entry in ClinVar:

ClinVar aggregate classification (germline): Conflicting classifications of pathogenicity. Review status: criteria provided, conflicting classifications (1 of 4 stars). 3 submissions from 3 submitters: Likely pathogenic (1); Uncertain significance (2). Last evaluated 2025-01-11.

Conditions:
Hypogonadotropic hypogonadism 7 with or without anosmia (HH7). Also called: HYPOGONADOTROPIC HYPOGONADISM 7 WITHOUT ANOSMIA; GNRHR-Related GnRH Deficiency. Identifiers: Orphanet 432, MedGen C0342384, MONDO:0007794, OMIM 146110.
GNRHR-related disorder. Also called: GNRHR-related condition.

Allele frequency attached by ClinVar (database versions not stated): ESP Exome Variant Server 0.00008; gnomAD 0.00010 and 0.00011; TOPMed 0.00010; ExAC 0.00014.
gnomAD v4.1: 116 of 1,614,012 alleles (0.0072%); highest among the groups gnomAD compares: Non-Finnish European, 0.0084%; no homozygotes.

Submissions (3):

PreventionGenetics, part of Exact Sciences
Classification: Uncertain significance for GNRHR-related condition. Last evaluated: 2025-01-11. Review status: criteria provided, single submitter. Criteria: ACMG Guidelines, 2015. Collection method: clinical testing. Allele origin: germline.
Comment: The GNRHR c.281T>C variant is predicted to result in the amino acid substitution p.Val94Ala. This variant was reported in the heterozygous state along with a second pathogenic GNRHR variant in an individual with normosmic congenital hypogonadotrophic hypogonadism (Table S1, Francou et al. 2016. PubMed ID: 27094476). This variant is reported in 0.017% of alleles in individuals of European (Non-Finnish) descent in gnomAD. At this time, the clinical significance of this variant is uncertain due to the absence of conclusive functional and genetic evidence.

Fulgent Genetics
Classification: Likely pathogenic for Hypogonadotropic hypogonadism 7 with or without anosmia. Last evaluated: 2024-02-02. Review status: criteria provided, single submitter. Criteria: ACMG Guidelines, 2015. Collection method: clinical testing. Allele origin: germline.

Labcorp Genetics (formerly Invitae), Labcorp
Classification: Uncertain significance. Last evaluated: 2022-12-07. Review status: criteria provided, single submitter. Criteria: Invitae Variant Classification Sherloc (09022015). Collection method: clinical testing. Allele origin: germline.
Comment: This missense change has been observed in individual(s) with clinical features of congenital hypogonadotrophic hypogonadism (PMID: 27094476; Invitae). In at least one individual the data is consistent with being in trans (on the opposite chromosome) from a pathogenic variant. This variant is present in population databases (rs367560743, gnomAD 0.02%). This sequence change replaces valine, which is neutral and non-polar, with alanine, which is neutral and non-polar, at codon 94 of the GNRHR protein (p.Val94Ala). ClinVar contains an entry for this variant (Variation ID: 632446). In summary, the available evidence is currently insufficient to determine the role of this variant in disease. Therefore, it has been classified as a Variant of Uncertain Significance. Advanced modeling of protein sequence and biophysical properties (such as structural, functional, and spatial information, amino acid conservation, physicochemical variation, residue mobility, and thermodynamic stability) performed at Invitae indicates that this missense variant is not expected to disrupt GNRHR protein function.

Literature cited by the submitters: PubMed 27094476 (cited by Labcorp Genetics (formerly Invitae), Labcorp).

NM_000406.3(GNRHR):c.281T>C (p.Val94Ala)

Gene: GNRHR (gonadotropin releasing hormone receptor; minus strand). Cytogenetic location: 4q13.2.
Variant type: single nucleotide variant.
Coding change: c.281T>C on transcript NM_000406.3 (MANE Select); coding-DNA position 281, T replaced by C.
Protein change: p.Val94Ala; replaces valine 94 with alanine.
Molecular consequence: missense variant.
Genome position (GRCh38, 1-based): chr4:67,754,055, A>G on the plus strand (T>C on the coding strand, the complement: GNRHR is on the minus strand). VCF-style: chr4-67754055-A-G. GRCh37 (hg19) VCF-style: chr4-68619773-A-G.
Other names: c.281T>C, p.Val94Ala (NM_001012763.2); short protein forms V94A.
Identifiers: ClinVar variation 632446 (VCV000632446.10), dbSNP rs367560743, ClinGen allele CA2938965.
Genomic context (GRCh38, chr4:67,754,055, plus strand): 5'-CAGAGTAACTCTCCAGCATACCATTGGACTGTAATGTTCCACATCCCATCCAGTGGCATG[A>G]CAATCAGAGTCTCCAACAGGTTGGCTAAGGTCAGATGTTTTAAGAGCAGCTTCATTCTTG-3'
Protein context (NP_000397.1, residues 84-104): TLANLLETLI[Val94Ala]MPLDGMWNIT